The following is an entry in ClinVar:

ClinVar aggregate classification (germline): Uncertain significance. Review status: criteria provided, multiple submitters, no conflicts (2 of 4 stars). 2 submissions from 2 submitters: Uncertain significance (2). Last evaluated 2025-12-17.

Conditions:
Hereditary cancer-predisposing syndrome. Also called: Hereditary neoplastic syndrome; Neoplastic Syndromes, Hereditary; Tumor predisposition; Hereditary Cancer Syndrome. Identifiers: Orphanet 140162, MedGen C0027672, MeSH D009386, MONDO:0015356.

Allele frequency attached by ClinVar (database versions not stated): gnomAD exomes below 0.00001.

Submissions (2):

Labcorp Genetics (formerly Invitae), Labcorp
Classification: Uncertain significance. Last evaluated: 2025-12-17. Review status: criteria provided, single submitter. Criteria: Invitae Variant Classification Sherloc (09022015). Collection method: clinical testing. Allele origin: germline.
Comment: This sequence change replaces proline, which is neutral and non-polar, with leucine, which is neutral and non-polar, at codon 190 of the HOXB13 protein (p.Pro190Leu). This variant is not present in population databases (gnomAD no frequency). This missense change has been observed in individual(s) with breast cancer (PMID: 27424772). ClinVar contains an entry for this variant (Variation ID: 1004750). Invitae Evidence Modeling of protein sequence and biophysical properties (such as structural, functional, and spatial information, amino acid conservation, physicochemical variation, residue mobility, and thermodynamic stability) indicates that this missense variant is not expected to disrupt HOXB13 protein function with a negative predictive value of 80%. In summary, the available evidence is currently insufficient to determine the role of this variant in disease. Therefore, it has been classified as a Variant of Uncertain Significance.

Ambry Genetics
Classification: Uncertain significance for Hereditary cancer-predisposing syndrome. Last evaluated: 2025-02-18. Review status: criteria provided, single submitter. Criteria: Ambry Variant Classification Scheme 2023. Collection method: clinical testing. Allele origin: germline.
Comment: The p.P190L variant (also known as c.569C>T), located in coding exon 1 of the HOXB13 gene, results from a C to T substitution at nucleotide position 569. The proline at codon 190 is replaced by leucine, an amino acid with similar properties. This amino acid position is not well conserved in available vertebrate species. In addition, this alteration is predicted to be tolerated by in silico analysis. Based on the available evidence, the clinical significance of this variant remains unclear.

Literature cited by the submitters: PubMed 27424772 (cited by Labcorp Genetics (formerly Invitae), Labcorp).

NM_006361.6(HOXB13):c.569C>T (p.Pro190Leu)

Gene: HOXB13 (homeobox B13; minus strand). Cytogenetic location: 17q21.32.
Variant type: single nucleotide variant.
Coding change: c.569C>T on transcript NM_006361.6 (MANE Select); coding-DNA position 569, C replaced by T.
Protein change: p.Pro190Leu; replaces proline 190 with leucine.
Molecular consequence: missense variant.
Genome position (GRCh38, 1-based): chr17:48,728,025, G>A on the plus strand (C>T on the coding strand, the complement: HOXB13 is on the minus strand). VCF-style: chr17-48728025-G-A. GRCh37 (hg19) VCF-style: chr17-46805387-G-A.
Other names: c.569C>T (NM_006361.5); short protein forms P190L.
Identifiers: ClinVar variation 1004750 (VCV001004750.11), dbSNP rs1399523986, ClinGen allele CA400107160.
Genomic context (GRCh38, chr17:48,728,025, plus strand): 5'-ACAAGGGGACCCAGGGTAATAGAGGTACCTGCAAATGCTGCCTTCCAAAAGGGACCTGGT[G>A]GGTTCTGTTCTCCCTGGCAACACATCTGGCTGTTCCAGCCACCAGCGAGAGCCCAAGACT-3'
Protein context (NP_006352.2, residues 180-200): SQMCCQGEQN[Pro190Leu]PGPFWKAAFA